The following is an entry in ClinVar:

NM_144596.4(TTC8):c.1352G>A (p.Arg451Lys)

Gene: TTC8 (tetratricopeptide repeat domain 8; plus strand). Cytogenetic location: 14q31.3.
Variant type: single nucleotide variant.
Coding change: c.1352G>A on transcript NM_144596.4 (MANE Select); coding-DNA position 1352, G replaced by A.
Protein change: p.Arg451Lys; replaces arginine 451 with lysine.
Molecular consequence: missense variant. On other transcripts: non-coding transcript variant (1), intron variant (2).
Genome position (GRCh38, 1-based): chr14:88,875,030, G>A. VCF-style: chr14-88875030-G-A. GRCh37 (hg19) VCF-style: chr14-89341374-G-A.
Other names: c.1400G>A, p.Arg467Lys (NM_001288781.1); c.758G>A, p.Arg253Lys (NM_001288782.1); c.635G>A, p.Arg212Lys (NM_001288783.1); c.1322G>A, p.Arg441Lys (NM_198309.3); c.1232G>A, p.Arg411Lys (NM_198310.3); c.1318-2264G>A (NM_001366535.2); c.1228-2264G>A (NM_001366536.2); short protein forms R253K, R411K, R212K, R441K, R451K, R467K.
Identifiers: ClinVar variation 1038612 (VCV001038612.7), dbSNP rs772498950, ClinGen allele CA7302742.
Genomic context (GRCh38, chr14:88,875,030, plus strand): 5'-GTGCTGATATATGTTCATACGCCTTTGGTTTTTCTTTTCTTTATTTTTATACACAGGCAA[G>A]GGCACTATTACAAACTGCATCATCATTAGCACCCCATATGTATGAACCGCATTTTAATTT-3'
Protein context (NP_653197.2, residues 441-461): EMRKGHVEQA[Arg451Lys]ALLQTASSLA

ClinVar aggregate classification (germline): Uncertain significance. Review status: criteria provided, multiple submitters, no conflicts (2 of 4 stars). 2 submissions from 2 submitters: Uncertain significance (2). Last evaluated 2022-12-19.

Conditions:
Bardet-Biedl syndrome (BBS). Identifiers: Orphanet 110, MedGen C0752166, MONDO:0015229.

Allele frequency attached by ClinVar (database versions not stated): gnomAD 0.00001; TOPMed 0.00001; gnomAD exomes 0.00002; ExAC 0.00003.

Submissions (2):

Blueprint Genetics
Classification: Uncertain significance. Last evaluated: 2022-12-19. Review status: criteria provided, single submitter. Criteria: ACMG Guidelines, 2015. Collection method: clinical testing. Allele origin: germline.

Labcorp Genetics (formerly Invitae), Labcorp
Classification: Uncertain significance for Bardet-Biedl syndrome. Last evaluated: 2022-10-13. Review status: criteria provided, single submitter. Criteria: Invitae Variant Classification Sherloc (09022015). Collection method: clinical testing. Allele origin: germline.
Comment: ClinVar contains an entry for this variant (Variation ID: 1038612). This variant has not been reported in the literature in individuals affected with TTC8-related conditions. This variant is present in population databases (rs772498950, gnomAD 0.005%). This sequence change replaces arginine, which is basic and polar, with lysine, which is basic and polar, at codon 441 of the TTC8 protein (p.Arg441Lys). Advanced modeling of protein sequence and biophysical properties (such as structural, functional, and spatial information, amino acid conservation, physicochemical variation, residue mobility, and thermodynamic stability) performed at Invitae indicates that this missense variant is not expected to disrupt TTC8 protein function. In summary, the available evidence is currently insufficient to determine the role of this variant in disease. Therefore, it has been classified as a Variant of Uncertain Significance.